The following is an entry in ClinVar:

ClinVar aggregate classification (germline): Uncertain significance (1 of 4 stars; one submission).

Submission:

Labcorp Genetics (formerly Invitae), Labcorp
Classification: Uncertain significance. Last evaluated: 2024-05-28. Review status: criteria provided, single submitter. Criteria: Invitae Variant Classification Sherloc (09022015). Collection method: clinical testing. Allele origin: germline.
Comment: This sequence change replaces valine, which is neutral and non-polar, with leucine, which is neutral and non-polar, at codon 710 of the NPAT protein (p.Val710Leu). This variant is not present in population databases (gnomAD no frequency). This variant has not been reported in the literature in individuals affected with NPAT-related conditions. An algorithm developed to predict the effect of missense changes on protein structure and function (PolyPhen-2) suggests that this variant is likely to be tolerated. In summary, the available evidence is currently insufficient to determine the role of this variant in disease. Therefore, it has been classified as a Variant of Uncertain Significance.

NM_002519.3(NPAT):c.2128G>C (p.Val710Leu)

Gene: NPAT (nuclear protein, coactivator of histone transcription; minus strand). Cytogenetic location: 11q22.3.
Variant type: single nucleotide variant.
Coding change: c.2128G>C on transcript NM_002519.3 (MANE Select); coding-DNA position 2128, G replaced by C.
Protein change: p.Val710Leu; replaces valine 710 with leucine.
Molecular consequence: missense variant.
Genome position (GRCh38, 1-based): chr11:108,172,856, C>G on the plus strand (G>C on the coding strand, the complement: NPAT is on the minus strand). VCF-style: chr11-108172856-C-G. GRCh37 (hg19) VCF-style: chr11-108043583-C-G.
Other names: c.2128G>C, p.Val710Leu (NM_001321307.1); short protein forms V710L.
Identifiers: ClinVar variation 3654564 (VCV003654564.2).